The following is an entry in ClinVar:

NM_000744.7(CHRNA4):c.1775A>G (p.Lys592Arg)

Gene: CHRNA4 (cholinergic receptor nicotinic alpha 4 subunit; minus strand). Cytogenetic location: 20q13.33.
Variant type: single nucleotide variant.
Coding change: c.1775A>G on transcript NM_000744.7 (MANE Select); coding-DNA position 1775, A replaced by G.
Protein change: p.Lys592Arg; replaces lysine 592 with arginine.
Molecular consequence: missense variant. On other transcripts: non-coding transcript variant (1).
Genome position (GRCh38, 1-based): chr20:63,346,847, T>C on the plus strand (A>G on the coding strand, the complement: CHRNA4 is on the minus strand). VCF-style: chr20-63346847-T-C. GRCh37 (hg19) VCF-style: chr20-61978199-T-C.
Other names: c.1247A>G, p.Lys416Arg (NM_001256573.2); short protein forms K416R, K592R.
Identifiers: ClinVar variation 4702293 (VCV004702293.1).
Genomic context (GRCh38, chr20:63,346,847, plus strand): 5'-AGCAGGCAGACGATGATGAACATCCAGAGGAAGATGCGGTCGATGACCATGGCCACGTAC[T>C]TCCAGTCCTCCTTCACCTGCAAGCACAGACGCCGTCACTCCAGCACGGCCCGGCCGCCGC-3'
Protein context (NP_000735.1, residues 582-602): DTDFSVKEDW[Lys592Arg]YVAMVIDRIF

ClinVar aggregate classification (germline): Uncertain significance (1 of 4 stars; one submission).

Conditions:
Familial sleep-related hypermotor epilepsy. Also called: Autosomal Dominant Sleep-Related Hypermotor (Hyperkinetic) Epilepsy. Identifiers: Orphanet 98784, MedGen C3696898, MONDO:0000030.

Submission:

Labcorp Genetics (formerly Invitae), Labcorp
Classification: Uncertain significance. Last evaluated: 2025-10-02. Review status: criteria provided, single submitter. Criteria: Invitae Variant Classification Sherloc (09022015). Collection method: clinical testing. Allele origin: germline.
Comment: This sequence change replaces lysine, which is basic and polar, with arginine, which is basic and polar, at codon 592 of the CHRNA4 protein (p.Lys592Arg). This variant is not present in population databases (gnomAD no frequency). This variant has not been reported in the literature in individuals affected with CHRNA4-related conditions. Invitae Evidence Modeling of protein sequence and biophysical properties (such as structural, functional, and spatial information, amino acid conservation, physicochemical variation, residue mobility, and thermodynamic stability) indicates that this missense variant is not expected to disrupt CHRNA4 protein function with a negative predictive value of 80%. In summary, the available evidence is currently insufficient to determine the role of this variant in disease. Therefore, it has been classified as a Variant of Uncertain Significance.